The following is an entry in ClinVar:

NM_001348323.3(TRIP12):c.4723A>G (p.Thr1575Ala)

Gene: TRIP12 (thyroid hormone receptor interactor 12; minus strand). Cytogenetic location: 2q36.3.
Variant type: single nucleotide variant.
Coding change: c.4723A>G on transcript NM_001348323.3 (MANE Select); coding-DNA position 4723, A replaced by G.
Protein change: p.Thr1575Ala; replaces threonine 1575 with alanine.
Molecular consequence: missense variant.
Genome position (GRCh38, 1-based): chr2:229,788,913, T>C on the plus strand (A>G on the coding strand, the complement: TRIP12 is on the minus strand). VCF-style: chr2-229788913-T-C. GRCh37 (hg19) VCF-style: chr2-230653629-T-C.
Other names: c.4642A>G, p.Thr1548Ala (NM_001284214.2, NM_001348315.2); c.4597A>G, p.Thr1533Ala (NM_001284215.2, NM_001348316.2); c.3688A>G, p.Thr1230Ala (NM_001284216.2); c.4582A>G, p.Thr1528Ala (NM_001348317.1, NM_001348318.2); c.4708A>G, p.Thr1570Ala (NM_001348319.1, NM_001348320.2); c.4711A>G, p.Thr1571Ala (NM_001348321.1); c.4723A>G, p.Thr1575Ala (NM_001348322.1, NM_001348324.2, NM_001348325.2 and 2 more transcripts); c.4726A>G, p.Thr1576Ala (NM_001348328.1, NM_001348329.2, NM_001348330.2); and 4 more; short protein forms T1230A, T1500A, T1501A, T1528A, T1533A, T1541A, T1548A, T1549A.
Identifiers: ClinVar variation 3370123 (VCV003370123.1).

ClinVar aggregate classification (germline): Uncertain significance (1 of 4 stars; one submission).

gnomAD v4.1: 4 of 1,613,318 alleles (0.00025%); highest among the groups gnomAD compares: South Asian, 0.0033%; no homozygotes.

Submission:

GeneDx
Classification: Uncertain significance. Last evaluated: 2024-01-05. Review status: criteria provided, single submitter. Criteria: GeneDx Variant Classification Process June 2021. Collection method: clinical testing. Allele origin: germline. Affected: yes.
Comment: Not observed at significant frequency in large population cohorts (gnomAD); In silico analysis supports that this missense variant does not alter protein structure/function; Has not been previously published as pathogenic or benign to our knowledge